The following is an entry in ClinVar:

ClinVar aggregate classification (germline): Benign/Likely benign. Review status: criteria provided, multiple submitters, no conflicts (2 of 4 stars). 4 submissions from 4 submitters: Benign (1); Likely benign (2). 1 of the submissions does not count toward it. Last evaluated 2026-01-28.

Conditions:
TNFSF12-related disorder. Also called: TNFSF12-related condition.
Common variable immunodeficiency (CVID). Also called: Common variable hypogamma-globulinemia; Common variable agammaglobulinemia. Identifiers: Orphanet 1572, MedGen C0009447, MONDO:0015517.

Allele frequency attached by ClinVar (database versions not stated): ExAC 0.00054; gnomAD exomes 0.00061; 1000 Genomes Project 30x 0.00125; gnomAD 0.00131 and 0.00141; ESP Exome Variant Server 0.00138; 1000 Genomes Project 0.00140; TOPMed 0.00145.
gnomAD v4.1: 771 of 1,612,036 alleles (0.048%); highest among the groups gnomAD compares: African/African-American, 0.47%; 2 homozygotes.

Submissions (4):

Labcorp Genetics (formerly Invitae), Labcorp
Classification: Benign for Common variable immunodeficiency. Last evaluated: 2026-01-28. Review status: criteria provided, single submitter. Criteria: Invitae Variant Classification Sherloc (09022015). Collection method: clinical testing. Allele origin: germline.

Blueprint Genetics
Classification: Likely benign. Last evaluated: 2024-11-11. Review status: criteria provided, single submitter. Criteria: ACMG Guidelines, 2015. Collection method: clinical testing. Allele origin: germline.

ARUP Laboratories, Molecular Genetics and Genomics, ARUP Laboratories
Classification: Likely benign. Last evaluated: 2022-02-08. Review status: criteria provided, single submitter. Criteria: ARUP Molecular Germline Variant Investigation Process 2021. Collection method: clinical testing. Allele origin: germline.

PreventionGenetics, part of Exact Sciences
Classification: Likely benign for TNFSF12-related condition. Last evaluated: 2019-07-01. Review status: no assertion criteria provided. Collection method: clinical testing. Allele origin: germline. Not counted in ClinVar's aggregate classification.
Comment: This variant is classified as likely benign based on ACMG/AMP sequence variant interpretation guidelines (Richards et al. 2015 PMID: 25741868, with internal and published modifications).

NM_003809.3(TNFSF12):c.597G>A (p.Ala199=)

Genes: TNFSF12 (TNF superfamily member 12; plus strand), TNFSF12-TNFSF13 (TNFSF12-TNFSF13 readthrough; plus strand). Cytogenetic location: 17p13.1.
Variant type: single nucleotide variant.
Coding change: c.597G>A on transcript NM_003809.3 (MANE Select); coding-DNA position 597, G replaced by A.
Protein change: p.Ala199=; no amino-acid change (alanine 199 retained).
Molecular consequence: synonymous variant. On other transcripts: non-coding transcript variant (1), intron variant (1).
Genome position (GRCh38, 1-based): chr17:7,557,197, G>A. VCF-style: chr17-7557197-G-A. GRCh37 (hg19) VCF-style: chr17-7460514-G-A.
Other names: c.498+295G>A (NM_172089.4).
Identifiers: ClinVar variation 526014 (VCV000526014.21), dbSNP rs143039184, ClinGen allele CA8350881.
Genomic context (GRCh38, chr17:7,557,197, plus strand): 5'-GGACTTGCTGGTGGATGGTGTGCTGGCCCTGCGCTGCCTGGAGGAATTCTCAGCCACTGC[G>A]GCGAGTTCCCTCGGGCCCCAGCTCCGCCTCTGCCAGGTGTCTGGGCTGTTGGCCCTGCGG-3'
Protein context (NP_003800.1, residues 189-209): LRCLEEFSAT[Ala199=]ASSLGPQLRL